The following is an entry in ClinVar:

NM_015335.5(MED13L):c.2013-10_2013-9insTTG

Gene: MED13L (mediator complex subunit 13L; minus strand). Cytogenetic location: 12q24.21.
Variant type: Insertion.
Coding change: c.2013-10_2013-9insTTG on transcript NM_015335.5 (MANE Select); 10 bases into the intron before coding-DNA position 2013 through 9 bases into the intron before coding-DNA position 2013, TTG inserted.
Molecular consequence: intron variant.
Genome position: GRCh38 VCF-style: chr12-116007645-C-CCAA. GRCh37 (hg19) VCF-style: chr12-116445450-C-CCAA.
Other names: c.2013-10_2013-9insTTG (NM_015335.4).
Identifiers: ClinVar variation 2057875 (VCV002057875.6), dbSNP rs1555247737, ClinGen allele CA684017471.

ClinVar aggregate classification (germline): Likely benign. Review status: criteria provided, single submitter (1 of 4 stars). 2 submissions from 2 submitters: Likely benign (1). 1 of the submissions does not count toward it. Last evaluated 2024-09-24.

Conditions:
MED13L-related disorder. Also called: MED13L-related condition.
Dextro-looped transposition of the great arteries. Also called: Dextrotransposition of the great arteries. Identifiers: Orphanet 860, MedGen C3531771, MONDO:0019443, OMIM 608808, HP:0031348.

Submissions (2):

Labcorp Genetics (formerly Invitae), Labcorp
Classification: Likely benign for Dextro-looped transposition of the great arteries. Last evaluated: 2024-09-24. Review status: criteria provided, single submitter. Criteria: Invitae Variant Classification Sherloc (09022015). Collection method: clinical testing. Allele origin: germline.

PreventionGenetics, part of Exact Sciences
Classification: Likely benign for MED13L-related condition. Last evaluated: 2022-05-06. Review status: no assertion criteria provided. Collection method: clinical testing. Allele origin: germline. Not counted in ClinVar's aggregate classification.
Comment: This variant is classified as likely benign based on ACMG/AMP sequence variant interpretation guidelines (Richards et al. 2015 PMID: 25741868, with internal and published modifications).